The following is an entry in ClinVar:

NM_002471.4(MYH6):c.5706G>A (p.Gln1902=)

Gene: MYH6 (myosin heavy chain 6; minus strand). Cytogenetic location: 14q11.2.
Variant type: single nucleotide variant.
Coding change: c.5706G>A on transcript NM_002471.4 (MANE Select); coding-DNA position 5706, G replaced by A.
Protein change: p.Gln1902=; no amino-acid change (glutamine 1902 retained).
Molecular consequence: synonymous variant.
Genome position (GRCh38, 1-based): chr14:23,382,518, C>T on the plus strand (G>A on the coding strand, the complement: MYH6 is on the minus strand). VCF-style: chr14-23382518-C-T. GRCh37 (hg19) VCF-style: chr14-23851727-C-T.
Identifiers: ClinVar variation 3703845 (VCV003703845.3).

ClinVar aggregate classification (germline): Likely benign. Review status: criteria provided, multiple submitters, no conflicts (2 of 4 stars). 2 submissions from 2 submitters: Likely benign (2). Last evaluated 2025-11-11.

Conditions:
MYH6-related disorder. Also called: MYH6-Related Disorders; MYH6-related condition.
Hypertrophic cardiomyopathy 14. Identifiers: MedGen C2750467, MONDO:0013197, OMIM 613251.

gnomAD v4.1: 33 of 1,614,052 alleles (0.002%); highest among the groups gnomAD compares: South Asian, 0.0044%; no homozygotes.

Submissions (2):

PreventionGenetics, part of Exact Sciences
Classification: Likely benign for MYH6-related condition. Last evaluated: 2025-11-11. Review status: criteria provided, single submitter. Criteria: ACMG Guidelines, 2015. Collection method: clinical testing. Allele origin: germline.
Comment: This variant is classified as likely benign based on ACMG/AMP sequence variant interpretation guidelines (Richards et al. 2015 PMID: 25741868, with internal and published modifications).

Labcorp Genetics (formerly Invitae), Labcorp
Classification: Likely benign for Hypertrophic cardiomyopathy 14. Last evaluated: 2024-05-10. Review status: criteria provided, single submitter. Criteria: Invitae Variant Classification Sherloc (09022015). Collection method: clinical testing. Allele origin: germline.